The following is an entry in ClinVar:

ClinVar aggregate classification (germline): Uncertain significance. Review status: criteria provided, multiple submitters, no conflicts (2 of 4 stars). 2 submissions from 2 submitters: Uncertain significance (2). Last evaluated 2025-09-08.

Conditions:
Familial cancer of breast. Also called: BREAST CANCER, FAMILIAL; hereditary breast carcinoma; Hereditary breast cancer. Identifiers: Orphanet 227535, MedGen C0346153, MONDO:0016419, OMIM 114480. Disease mechanism: loss of function.
Hereditary cancer-predisposing syndrome. Also called: Neoplastic Syndromes, Hereditary; Tumor predisposition; Hereditary Cancer Syndrome; Hereditary neoplastic syndrome. Identifiers: Orphanet 140162, MedGen C0027672, MeSH D009386, MONDO:0015356.

Submissions (2):

Labcorp Genetics (formerly Invitae), Labcorp
Classification: Uncertain significance for Familial cancer of breast. Last evaluated: 2025-09-08. Review status: criteria provided, single submitter. Criteria: Invitae Variant Classification Sherloc (09022015). Collection method: clinical testing. Allele origin: germline.
Comment: This sequence change replaces leucine, which is neutral and non-polar, with isoleucine, which is neutral and non-polar, at codon 174 of the CHEK2 protein (p.Leu174Ile). This variant is not present in population databases (gnomAD no frequency). This variant has not been reported in the literature in individuals affected with CHEK2-related conditions. ClinVar contains an entry for this variant (Variation ID: 232826). An algorithm developed to predict the effect of missense changes on protein structure and function (PolyPhen-2) suggests that this variant is likely to be tolerated. In summary, the available evidence is currently insufficient to determine the role of this variant in disease. Therefore, it has been classified as a Variant of Uncertain Significance.

Ambry Genetics
Classification: Uncertain significance for Hereditary cancer-predisposing syndrome. Last evaluated: 2015-07-08. Review status: criteria provided, single submitter. Criteria: Ambry Variant Classification Scheme 2023. Collection method: clinical testing. Allele origin: germline.
Comment: The p.L174I variant (also known as c.520C>A), located in coding exon 3 of the CHEK2 gene, results from a C to A substitution at nucleotide position 520. The leucine at codon 174 is replaced by isoleucine, an amino acid with highly similar properties. This amino acid position is well conserved in available vertebrate species. In addition, this alteration is predicted to be tolerated by in silico analysis. Since supporting evidence is limited at this time, the clinical significance of this alteration remains unclear.

NM_007194.4(CHEK2):c.520C>A (p.Leu174Ile)

Gene: CHEK2 (checkpoint kinase 2; minus strand). Cytogenetic location: 22q12.1.
Variant type: single nucleotide variant.
Coding change: c.520C>A on transcript NM_007194.4 (MANE Select); coding-DNA position 520, C replaced by A.
Protein change: p.Leu174Ile; replaces leucine 174 with isoleucine.
Molecular consequence: missense variant. On other transcripts: 5 prime UTR variant (2), intron variant (1).
Genome position (GRCh38, 1-based): chr22:28,725,049, G>T on the plus strand (C>A on the coding strand, the complement: CHEK2 is on the minus strand). VCF-style: chr22-28725049-G-T. GRCh37 (hg19) VCF-style: chr22-29121037-G-T.
Other names: c.649C>A, p.Leu217Ile (NM_001005735.3, NM_001438294.1); c.-258C>A (NM_001257387.3); c.-144C>A (NM_001437942.1); c.613C>A, p.Leu205Ile (NM_001438293.1, NM_001438295.1); c.520C>A, p.Leu174Ile (NM_145862.3); c.445-126C>A (NM_001349956.3); short protein forms L174I, L217I, L205I.
Identifiers: ClinVar variation 232826 (VCV000232826.6), dbSNP rs876659400, ClinGen allele CA10581087.
Genomic context (GRCh38, chr22:28,725,049, plus strand): 5'-TTAGTGACAGTGCAATTTCAGAATTGTTATTCAAAGGACGGCGTTTTCCTTTCCCTACAA[G>T]CTCTGTATTTACAAAGGTTCCATTGCCACTGTGATCTTCTATGTATGCAATGTAAGAGTT-3'
Protein context (NP_009125.1, residues 164-184): SGNGTFVNTE[Leu174Ile]VGKGKRRPLN